The following is an entry in ClinVar:

ClinVar aggregate classification (germline): Pathogenic (1 of 4 stars; one submission).

Submission:

Labcorp Genetics (formerly Invitae), Labcorp
Classification: Pathogenic. Last evaluated: 2021-12-02. Review status: criteria provided, single submitter. Criteria: Invitae Variant Classification Sherloc (09022015). Collection method: clinical testing. Allele origin: germline.
Comment: For these reasons, this variant has been classified as Pathogenic. This variant has not been reported in the literature in individuals affected with VPS13A-related conditions. This variant is not present in population databases (gnomAD no frequency). This sequence change creates a premature translational stop signal (p.Glu1678Lysfs*18) in the VPS13A gene. It is expected to result in an absent or disrupted protein product. Loss-of-function variants in VPS13A are known to be pathogenic (PMID: 12404112, 21598378).

Literature cited by the submitters: PubMed 12404112; PubMed 21598378.

NM_033305.3(VPS13A):c.5032del (p.Glu1678fs)

Gene: VPS13A (vacuolar protein sorting 13 homolog A; plus strand). Cytogenetic location: 9q21.2.
Variant type: Deletion.
Coding change: c.5032del on transcript NM_033305.3 (MANE Select); coding-DNA position 5032, one base deleted (G; older notation c.5032delG).
Protein change: p.Glu1678fs; shifts the reading frame from glutamic acid 1678.
Molecular consequence: frameshift variant.
Genome position (GRCh38, 1-based): chr9:77,318,310, G deleted. VCF-style (leftmost placement, unchanged base first): chr9-77318309-AG-A. GRCh37 (hg19) VCF-style: chr9-79933225-AG-A.
Other names: c.4915del, p.Glu1639fs (NM_001018037.2); c.5032del, p.Glu1678fs (NM_001018038.3, NM_015186.4); short protein forms E1639fs, E1678fs.
Identifiers: ClinVar variation 2024992 (VCV002024992.4), dbSNP rs2537995662, ClinGen allele CA2580080768.